The following is an entry in ClinVar:

ClinVar aggregate classification (germline): Pathogenic. Review status: criteria provided, single submitter (1 of 4 stars). 4 submissions from 3 submitters: Pathogenic (1). 3 of the submissions do not count toward it. Last evaluated 2023-10-20.

Conditions:
Autosomal dominant hypocalcemia 1 (HYPOC1). Also called: HYPOCALCEMIA, FAMILIAL. Identifiers: MedGen C3715128, MONDO:0011013, OMIM 601198.
Familial hypocalciuric hypercalcemia (FHH). Also called: Familial benign hypercalcemia. Identifiers: Orphanet 405, MedGen C1809471, MONDO:0018458.
Familial hypocalciuric hypercalcemia 1. Also called: Hypercalcemia, familial benign type 1. Identifiers: Orphanet 405, Orphanet 93372, MedGen C0342637, MONDO:0007791, OMIM 145980.
Neonatal severe primary hyperparathyroidism. Identifiers: Orphanet 417, MedGen C1832615, MONDO:0009397, OMIM 239200.

Allele frequency attached by ClinVar (database versions not stated): gnomAD exomes below 0.00001.
gnomAD v4.1: 4 of 1,614,196 alleles (0.00025%); highest among the groups gnomAD compares: Non-Finnish European, 0.00025%; no homozygotes.

Submissions (4):

Labcorp Genetics (formerly Invitae), Labcorp
Classification: Pathogenic for Familial hypocalciuric hypercalcemia; Autosomal dominant hypocalcemia 1. Last evaluated: 2023-10-20. Review status: criteria provided, single submitter. Criteria: Invitae Variant Classification Sherloc (09022015). Collection method: clinical testing. Allele origin: germline.
Comment: This sequence change replaces glutamic acid, which is acidic and polar, with lysine, which is basic and polar, at codon 297 of the CASR protein (p.Glu297Lys). This variant is not present in population databases (gnomAD no frequency). This missense change has been observed in individual(s) with familial hypocalciuric hypercalcemia (FHH) and/or neonatal severe hyperparathyroidism (PMID: 7916660, 16642557, 19423559). It has also been observed to segregate with disease in related individuals. This variant is also known as E298K. ClinVar contains an entry for this variant (Variation ID: 8313). An algorithm developed to predict the effect of missense changes on protein structure and function (PolyPhen-2) suggests that this variant is likely to be disruptive. Experimental studies have shown that this missense change affects CASR function (PMID: 12095982, 12114500, 23077345, 27434672). For these reasons, this variant has been classified as Pathogenic.

Cardiovascular Genetics Laboratory, PathWest Laboratory Medicine WA - Fiona Stanley Hospital
Classification: Pathogenic for Familial hypocalciuric hypercalcemia 1. Last evaluated: 2025-02-20. Review status: no assertion criteria provided. Criteria: ACMG Guidelines, 2015. Collection method: clinical testing. Allele origin: germline. Affected: yes. Not counted in ClinVar's aggregate classification.

OMIM
Classification: Pathogenic for HYPOCALCIURIC HYPERCALCEMIA, FAMILIAL, TYPE I. Last evaluated: 2006-04-30. Review status: no assertion criteria provided. Collection method: literature only. Allele origin: germline. Not counted in ClinVar's aggregate classification.

OMIM
Classification: Pathogenic for HYPERPARATHYROIDISM, NEONATAL SEVERE. Last evaluated: 2006-04-30. Review status: no assertion criteria provided. Collection method: literature only. Allele origin: germline. Not counted in ClinVar's aggregate classification.

Literature cited by the submitters: PubMed 7916660 (cited by Labcorp Genetics (formerly Invitae), Labcorp and OMIM); PubMed 16642557 (cited by Labcorp Genetics (formerly Invitae), Labcorp and OMIM); PubMed 19423559 (cited by Labcorp Genetics (formerly Invitae), Labcorp and OMIM); PubMed 12095982 (cited by Labcorp Genetics (formerly Invitae), Labcorp); PubMed 12114500 (cited by Labcorp Genetics (formerly Invitae), Labcorp); PubMed 23077345 (cited by Labcorp Genetics (formerly Invitae), Labcorp); PubMed 27434672 (cited by Labcorp Genetics (formerly Invitae), Labcorp); PubMed 6543841 (cited by OMIM).

NM_000388.4(CASR):c.889G>A (p.Glu297Lys)

Gene: CASR (calcium sensing receptor; plus strand). Cytogenetic location: 3q21.1.
Variant type: single nucleotide variant.
Coding change: c.889G>A on transcript NM_000388.4 (MANE Select); coding-DNA position 889, G replaced by A.
Protein change: p.Glu297Lys; replaces glutamic acid 297 with lysine.
Molecular consequence: missense variant.
Genome position (GRCh38, 1-based): chr3:122,261,924, G>A. VCF-style: chr3-122261924-G-A. GRCh37 (hg19) VCF-style: chr3-121980771-G-A.
Other names: c.889G>A, p.Glu297Lys (NM_001178065.2); short protein forms E297K.
Identifiers: ClinVar variation 8313 (VCV000008313.12), dbSNP rs121909259, ClinGen allele CA119469.
Genomic context (GRCh38, chr3:122,261,924, plus strand): 5'-GAGCCCCTCATCAAGGAGATTGTCCGGCGCAATATCACGGGCAAGATCTGGCTGGCCAGC[G>A]AGGCCTGGGCCAGCTCCTCCCTGATCGCCATGCCTCAGTACTTCCACGTGGTTGGCGGCA-3'
Protein context (NP_000379.3, residues 287-307): NITGKIWLAS[Glu297Lys]AWASSSLIAM